The following is an entry in ClinVar:

NM_000038.6(APC):c.8074C>G (p.Pro2692Ala)

Gene: APC (APC regulator of Wnt signaling pathway; plus strand). Cytogenetic location: 5q22.2.
Variant type: single nucleotide variant.
Coding change: c.8074C>G on transcript NM_000038.6 (MANE Select); coding-DNA position 8074, C replaced by G.
Protein change: p.Pro2692Ala; replaces proline 2692 with alanine.
Molecular consequence: missense variant.
Genome position (GRCh38, 1-based): chr5:112,843,668, C>G. VCF-style: chr5-112843668-C-G. GRCh37 (hg19) VCF-style: chr5-112179365-C-G.
Other names: c.8074C>G (NM_000038.5); c.8074C>G, p.Pro2692Ala (NM_001127510.3, NM_001354895.2); c.8020C>G, p.Pro2674Ala (NM_001127511.3); c.8128C>G, p.Pro2710Ala (NM_001354896.2); c.8104C>G, p.Pro2702Ala (NM_001354897.2); c.7999C>G, p.Pro2667Ala (NM_001354898.2); c.7990C>G, p.Pro2664Ala (NM_001354899.2); c.7951C>G, p.Pro2651Ala (NM_001354900.2); and 6 more; short protein forms P2532A, P2566A, P2633A, P2667A, P2692A, P2591A, P2664A, P2409A.
Identifiers: ClinVar variation 1363346 (VCV001363346.7), dbSNP rs2149998819, ClinGen allele CA16038863.

ClinVar aggregate classification (germline): Uncertain significance. Review status: criteria provided, multiple submitters, no conflicts (2 of 4 stars). 2 submissions from 2 submitters: Uncertain significance (2). Last evaluated 2025-11-11.

Conditions:
Hereditary cancer-predisposing syndrome. Also called: Neoplastic Syndromes, Hereditary; Tumor predisposition; Hereditary neoplastic syndrome; Hereditary Cancer Syndrome. Identifiers: Orphanet 140162, MedGen C0027672, MeSH D009386, MONDO:0015356.
Familial adenomatous polyposis 1 (FAP1). Also called: POLYPOSIS, ADENOMATOUS INTESTINAL; FAMILIAL ADENOMATOUS POLYPOSIS 1, ATTENUATED. Identifiers: MedGen C2713442, MONDO:0021056, OMIM 175100. Disease mechanism: loss of function.

Submissions (2):

Labcorp Genetics (formerly Invitae), Labcorp
Classification: Uncertain significance for Familial adenomatous polyposis 1. Last evaluated: 2025-11-11. Review status: criteria provided, single submitter. Criteria: Invitae Variant Classification Sherloc (09022015). Collection method: clinical testing. Allele origin: germline.
Comment: This sequence change replaces proline, which is neutral and non-polar, with alanine, which is neutral and non-polar, at codon 2692 of the APC protein (p.Pro2692Ala). This variant is not present in population databases (gnomAD no frequency). This variant has not been reported in the literature in individuals affected with APC-related conditions. ClinVar contains an entry for this variant (Variation ID: 1363346). Invitae Evidence Modeling of protein sequence and biophysical properties (such as structural, functional, and spatial information, amino acid conservation, physicochemical variation, residue mobility, and thermodynamic stability) indicates that this missense variant is not expected to disrupt APC protein function with a negative predictive value of 95%. In summary, the available evidence is currently insufficient to determine the role of this variant in disease. Therefore, it has been classified as a Variant of Uncertain Significance.

Ambry Genetics
Classification: Uncertain significance for Hereditary cancer-predisposing syndrome. Last evaluated: 2025-01-19. Review status: criteria provided, single submitter. Criteria: Ambry Variant Classification Scheme 2023. Collection method: clinical testing. Allele origin: germline.
Comment: The p.P2692A variant (also known as c.8074C>G), located in coding exon 15 of the APC gene, results from a C to G substitution at nucleotide position 8074. The proline at codon 2692 is replaced by alanine, an amino acid with highly similar properties. This amino acid position is conserved. In addition, in silico predictors for this gene do not accurately predict pathogenicity. Based on the available evidence, the clinical significance of this variant remains unclear.